The following is an entry in ClinVar:

NM_001199563.2(POPDC1):c.239A>G (p.Tyr80Cys)

Gene: POPDC1 (popeye domain cAMP effector 1; minus strand). Cytogenetic location: 6q21.
Variant type: single nucleotide variant.
Coding change: c.239A>G on transcript NM_001199563.2 (MANE Select); coding-DNA position 239, A replaced by G.
Protein change: p.Tyr80Cys; replaces tyrosine 80 with cysteine.
Molecular consequence: missense variant.
Genome position (GRCh38, 1-based): chr6:105,129,491, T>C on the plus strand (A>G on the coding strand, the complement: POPDC1 is on the minus strand). VCF-style: chr6-105129491-T-C. GRCh37 (hg19) VCF-style: chr6-105577366-T-C.
Other names: p.Tyr80Cys; c.239A>G, p.Tyr80Cys (NM_007073.4, NM_147147.4); short protein forms Y80C.
Identifiers: ClinVar variation 4541194 (VCV004541194.1).

ClinVar aggregate classification (germline): Uncertain significance (1 of 4 stars; one submission).

gnomAD v4.1: 16 of 1,610,678 alleles (0.00099%); highest among the groups gnomAD compares: Middle Eastern, 0.017%; no homozygotes.

Submission:

Mayo Clinic Laboratories, Mayo Clinic
Classification: Uncertain significance. Last evaluated: 2025-02-20. Review status: criteria provided, single submitter. Criteria: ACMG Guidelines, 2015. Collection method: clinical testing. Allele origin: germline. Observed: 1 variant allele.
Comment: BP4